The following is an entry in ClinVar:

ClinVar aggregate classification (germline): Likely benign (1 of 4 stars; one submission).

gnomAD v4.1: 8 of 1,208,440 alleles (0.00066%); highest among the groups gnomAD compares: South Asian, 0.0088%; no homozygotes.

Submission:

CeGaT Center for Human Genetics Tuebingen
Classification: Likely benign. Last evaluated: 2026-09-01. Review status: criteria provided, single submitter. Criteria: CeGaT Center For Human Genetics Tuebingen Variant Classification Criteria Version 2. Collection method: clinical testing. Allele origin: germline. Affected: yes. Observed: 1 variant allele.
Comment: SHROOM2: BP4, BP7

NM_001649.4(SHROOM2):c.3144G>A (p.Ser1048=)

Gene: SHROOM2 (shroom family member 2; plus strand). Cytogenetic location: Xp22.2.
Variant type: single nucleotide variant.
Coding change: c.3144G>A on transcript NM_001649.4 (MANE Select); coding-DNA position 3144, G replaced by A.
Protein change: p.Ser1048=; no amino-acid change (serine 1048 retained).
Molecular consequence: synonymous variant. On other transcripts: 5 prime UTR variant (2).
Genome position (GRCh38, 1-based): chrX:9,932,427, G>A. VCF-style: chrX-9932427-G-A. GRCh37 (hg19) VCF-style: chrX-9900467-G-A.
Other names: c.-352G>A (NM_001320663.2, NM_001320664.2).
Identifiers: ClinVar variation 5041686 (VCV005041686.1).
Genomic context (GRCh38, chrX:9,932,427, plus strand): 5'-AGACTTGGGACCCCGAGCCCAGAGCCCTGGCTCACCCCTGCATGCTCGAGGACAAGACTC[G>A]TGGCCAGTGAGCTCAGCCCTGCTCTCCAAGAGGCCAGCCCCACAGAGGCCACCGCCACCC-3'
Protein context (NP_001640.1, residues 1038-1058): GSPLHARGQD[Ser1048=]WPVSSALLSK